The following is an entry in ClinVar:

ClinVar aggregate classification (germline): Pathogenic (1 of 4 stars; one submission).

Submission:

Labcorp Genetics (formerly Invitae), Labcorp
Classification: Pathogenic. Last evaluated: 2024-01-26. Review status: criteria provided, single submitter. Criteria: Invitae Variant Classification Sherloc (09022015). Collection method: clinical testing. Allele origin: germline.
Comment: This sequence change creates a premature translational stop signal (p.Thr599Glnfs*280) in the TRIOBP gene. It is expected to result in an absent or disrupted protein product. Loss-of-function variants in TRIOBP are known to be pathogenic (PMID: 16385457, 16385458, 20510926). This variant is not present in population databases (gnomAD no frequency). This variant has not been reported in the literature in individuals affected with TRIOBP-related conditions. For these reasons, this variant has been classified as Pathogenic.

Literature cited by the submitters: PubMed 16385457; PubMed 16385458; PubMed 20510926.

NM_001039141.3(TRIOBP):c.1794del (p.Thr599fs)

Gene: TRIOBP (TRIO and F-actin binding protein; plus strand). Cytogenetic location: 22q13.1.
Variant type: Deletion.
Coding change: c.1794del on transcript NM_001039141.3 (MANE Select); coding-DNA position 1794, one base deleted (C; older notation c.1794delC).
Protein change: p.Thr599fs; shifts the reading frame from threonine 599.
Molecular consequence: frameshift variant.
Genome position (GRCh38, 1-based): chr22:37,724,350, C deleted; the last of 4 consecutive C bases (chr22:37,724,347-37,724,350); deleting any one gives the same sequence. VCF-style (leftmost placement, unchanged base first): chr22-37724346-AC-A. GRCh37 (hg19) VCF-style: chr22-38120353-AC-A.
Other names: short protein forms T599fs.
Identifiers: ClinVar variation 3669801 (VCV003669801.2).